The following is an entry in ClinVar:

NM_000257.4(MYH7):c.1042T>C (p.Ser348Pro)

Gene: MYH7 (myosin heavy chain 7; minus strand). Cytogenetic location: 14q11.2.
Variant type: single nucleotide variant.
Coding change: c.1042T>C on transcript NM_000257.4 (MANE Select); coding-DNA position 1042, T replaced by C.
Protein change: p.Ser348Pro; replaces serine 348 with proline.
Molecular consequence: missense variant.
Genome position (GRCh38, 1-based): chr14:23,429,871, A>G on the plus strand (T>C on the coding strand, the complement: MYH7 is on the minus strand). VCF-style: chr14-23429871-A-G. GRCh37 (hg19) VCF-style: chr14-23899080-A-G.
Other names: short protein forms S348P.
Identifiers: ClinVar variation 1435776 (VCV001435776.7), dbSNP rs2138677513, ClinGen allele CA389051483.

ClinVar aggregate classification (germline): Uncertain significance. Review status: criteria provided, multiple submitters, no conflicts (2 of 4 stars). 2 submissions from 2 submitters: Uncertain significance (2). Last evaluated 2024-04-08.

Conditions:
Hypertrophic cardiomyopathy. Also called: HYPERTROPHIC MYOCARDIOPATHY. Identifiers: Orphanet 217569, MedGen C0007194, MeSH D002312, MONDO:0005045, HP:0001639.

Submissions (2):

Labcorp Genetics (formerly Invitae), Labcorp
Classification: Uncertain significance for Hypertrophic cardiomyopathy. Last evaluated: 2024-04-08. Review status: criteria provided, single submitter. Criteria: Invitae Variant Classification Sherloc (09022015). Collection method: clinical testing. Allele origin: germline.
Comment: This sequence change replaces serine, which is neutral and polar, with proline, which is neutral and non-polar, at codon 348 of the MYH7 protein (p.Ser348Pro). This variant is not present in population databases (gnomAD no frequency). This variant has not been reported in the literature in individuals affected with MYH7-related conditions. ClinVar contains an entry for this variant (Variation ID: 1435776). Advanced modeling of protein sequence and biophysical properties (such as structural, functional, and spatial information, amino acid conservation, physicochemical variation, residue mobility, and thermodynamic stability) performed at Invitae indicates that this missense variant is expected to disrupt MYH7 protein function with a positive predictive value of 95%. In summary, the available evidence is currently insufficient to determine the role of this variant in disease. Therefore, it has been classified as a Variant of Uncertain Significance.

Blueprint Genetics
Classification: Uncertain significance. Last evaluated: 2022-09-06. Review status: criteria provided, single submitter. Criteria: ACMG Guidelines, 2015. Collection method: clinical testing. Allele origin: germline.